The following is an entry in ClinVar:

ClinVar aggregate classification (germline): Uncertain significance (1 of 4 stars; one submission).

Conditions:
Inborn genetic diseases. Identifiers: MedGen C0950123, MeSH D030342.

Submission:

Ambry Genetics
Classification: Uncertain significance for Inborn genetic diseases. Last evaluated: 2021-10-25. Review status: criteria provided, single submitter. Criteria: Ambry Variant Classification Scheme 2023. Collection method: clinical testing. Allele origin: germline.
Comment: The p.G1935C variant (also known as c.5803G>T), located in coding exon 34 of the ATR gene, results from a G to T substitution at nucleotide position 5803. The glycine at codon 1935 is replaced by cysteine, an amino acid with highly dissimilar properties. This amino acid position is conserved. In addition, this alteration is predicted to be deleterious by in silico analysis. Since supporting evidence is limited at this time, the clinical significance of this alteration remains unclear.

NM_001184.4(ATR):c.5803G>T (p.Gly1935Cys)

Gene: ATR (ATR checkpoint kinase; minus strand). Cytogenetic location: 3q23.
Variant type: single nucleotide variant.
Coding change: c.5803G>T on transcript NM_001184.4 (MANE Select); coding-DNA position 5803, G replaced by T.
Protein change: p.Gly1935Cys; replaces glycine 1935 with cysteine.
Molecular consequence: missense variant.
Genome position (GRCh38, 1-based): chr3:142,496,456, C>A on the plus strand (G>T on the coding strand, the complement: ATR is on the minus strand). VCF-style: chr3-142496456-C-A. GRCh37 (hg19) VCF-style: chr3-142215298-C-A.
Other names: c.5611G>T, p.Gly1871Cys (NM_001354579.2); short protein forms G1871C, G1935C.
Identifiers: ClinVar variation 1749799 (VCV001749799.2), dbSNP rs2473154996, ClinGen allele CA354813664.